The following is an entry in ClinVar:

NM_005228.5(EGFR):c.1103del (p.Asp368fs)

Genes: EGFR (epidermal growth factor receptor; plus strand), LOC126860048 (P300/CBP strongly-dependent group 1 enhancer GRCh37_chr7:55223847-55225046; plus strand). Cytogenetic location: 7p11.2.
Variant type: Deletion.
Coding change: c.1103del on transcript NM_005228.5 (MANE Select); coding-DNA position 1103, one base deleted (A; older notation c.1103delA).
Protein change: p.Asp368fs; shifts the reading frame from aspartic acid 368.
Molecular consequence: frameshift variant.
Genome position (GRCh38, 1-based): chr7:55,156,629, A deleted. VCF-style (leftmost placement, unchanged base first): chr7-55156628-GA-G. GRCh37 (hg19) VCF-style: chr7-55224321-GA-G.
Other names: c.1103del, p.Asp368fs (NM_201282.2, NM_201283.2, NM_201284.2 and 1 more transcripts); c.968del, p.Asp323fs (NM_001346897.2, NM_001346899.2); c.944del, p.Asp315fs (NM_001346900.2); c.302del, p.Asp101fs (NM_001346941.2); short protein forms D315fs, D368fs, D101fs, D323fs.
Identifiers: ClinVar variation 2819404 (VCV002819404.3), dbSNP rs2535528909, ClinGen allele CA2739265443.
Genomic context (GRCh38, chr7:55,156,628, plus strand): 5'-TCACTCTCCATAAATGCTACGAATATTAAACACTTCAAAAACTGCACCTCCATCAGTGGC[GA>G]TCTCCACATCCTGCCGGTGGCATTTAGGGGGTGAGTCACAGGTTCAGTTGCTTGTATAAA-3'

ClinVar aggregate classification (germline): Pathogenic (1 of 4 stars; one submission).

Conditions:
EGFR-related lung cancer (EGFR). Identifiers: MedGen CN130014.

Submission:

Labcorp Genetics (formerly Invitae), Labcorp
Classification: Pathogenic for EGFR-related lung cancer. Last evaluated: 2022-12-08. Review status: criteria provided, single submitter. Criteria: Invitae Variant Classification Sherloc (09022015). Collection method: clinical testing. Allele origin: germline.
Comment: For these reasons, this variant has been classified as Pathogenic. This variant has not been reported in the literature in individuals affected with EGFR-related conditions. This variant is not present in population databases (gnomAD no frequency). This sequence change creates a premature translational stop signal (p.Asp368Valfs*28) in the EGFR gene. It is expected to result in an absent or disrupted protein product. Loss-of-function variants in EGFR are known to be pathogenic (PMID: 7630400, 28726809, 29899996).

Literature cited by the submitters: PubMed 7630400; PubMed 28726809; PubMed 29899996.